The following is an entry in ClinVar:

NM_015046.7(SETX):c.24G>A (p.Thr8=)

Gene: SETX (senataxin; minus strand). Cytogenetic location: 9q34.13.
Variant type: single nucleotide variant.
Coding change: c.24G>A on transcript NM_015046.7 (MANE Select); coding-DNA position 24, G replaced by A.
Protein change: p.Thr8=; no amino-acid change (threonine 8 retained).
Molecular consequence: synonymous variant.
Genome position (GRCh38, 1-based): chr9:132,349,405, C>T on the plus strand (G>A on the coding strand, the complement: SETX is on the minus strand). VCF-style: chr9-132349405-C-T. GRCh37 (hg19) VCF-style: chr9-135224792-C-T.
Other names: c.24G>A, p.Thr8= (NM_001351527.2, NM_001351528.2).
Identifiers: ClinVar variation 1980615 (VCV001980615.6), dbSNP rs767823293, ClinGen allele CA5298153.

ClinVar aggregate classification (germline): Likely benign. Review status: criteria provided, multiple submitters, no conflicts (2 of 4 stars). 3 submissions from 3 submitters: Likely benign (3). Last evaluated 2025-10-19.

Conditions:
Spinocerebellar ataxia, autosomal recessive, with axonal neuropathy 2 (SCAN2). Also called: Ataxia with Oculomotor Apraxia Type 2; ATAXIA-OCULOMOTOR APRAXIA 2; Ataxia with Oculomotor Apraxia; Ataxia-ocular apraxia-2. Identifiers: Orphanet 64753, MedGen C1853761, MONDO:0018996, OMIM 606002.
Amyotrophic lateral sclerosis type 4 (ALS4). Also called: NEURONOPATHY, DISTAL HEREDITARY MOTOR, WITH PYRAMIDAL FEATURES; AMYOTROPHIC LATERAL SCLEROSIS 4, JUVENILE. Identifiers: Orphanet 357043, MedGen C1865409, MONDO:0011223, OMIM 602433.
SETX-related disorder. Also called: SETX-related condition; SETX-related disorders. Identifiers: MedGen CN239403.

Allele frequency attached by ClinVar (database versions not stated): ExAC 0.00002; gnomAD 0.00003; TOPMed 0.00005.
gnomAD v4.1: 24 of 1,614,008 alleles (0.0015%); highest among the groups gnomAD compares: African/African-American, 0.008%; no homozygotes.

Submissions (3):

Labcorp Genetics (formerly Invitae), Labcorp
Classification: Likely benign for Amyotrophic lateral sclerosis type 4; Spinocerebellar ataxia, autosomal recessive, with axonal neuropathy 2. Last evaluated: 2025-10-19. Review status: criteria provided, single submitter. Criteria: Invitae Variant Classification Sherloc (09022015). Collection method: clinical testing. Allele origin: germline.

PreventionGenetics, part of Exact Sciences
Classification: Likely benign for SETX-related condition. Last evaluated: 2025-05-21. Review status: criteria provided, single submitter. Criteria: ACMG Guidelines, 2015. Collection method: clinical testing. Allele origin: germline.
Comment: This variant is classified as likely benign based on ACMG/AMP sequence variant interpretation guidelines (Richards et al. 2015 PMID: 25741868, with internal and published modifications).

Blueprint Genetics
Classification: Likely benign. Last evaluated: 2024-10-04. Review status: criteria provided, single submitter. Criteria: ACMG Guidelines, 2015. Collection method: clinical testing. Allele origin: germline.